The following is an entry in ClinVar:

ClinVar aggregate classification (germline): Uncertain significance. Review status: criteria provided, multiple submitters, no conflicts (2 of 4 stars). 8 submissions from 8 submitters: Uncertain significance (8). Last evaluated 2025-03-27.

Conditions:
Familial ovarian cancer. Identifiers: MedGen C5679802, MONDO:0016248.
Breast-ovarian cancer, familial, susceptibility to, 3. Also called: RAD51C-Related Breast/Ovarian Cancer. Identifiers: Orphanet 145, MedGen C3150659, MONDO:0013253, OMIM 613399.
Hereditary cancer-predisposing syndrome. Also called: Neoplastic Syndromes, Hereditary; Tumor predisposition; Hereditary neoplastic syndrome; Hereditary Cancer Syndrome. Identifiers: Orphanet 140162, MedGen C0027672, MeSH D009386, MONDO:0015356.
Hereditary breast ovarian cancer syndrome. Also called: Hereditary breast and ovarian cancer; Hereditary breast and ovarian cancer syndrome (HBOC); BRCA1- and BRCA2-Associated Hereditary Breast and Ovarian Cancer; Hereditary breast and/or ovarian cancer syndrome; Breast and ovarian cancer; Hereditary breast and ovarian cancer syndrome. Identifiers: Orphanet 145, MedGen C0677776, MeSH D061325, MONDO:0003582. Disease mechanism: loss of function.
Fanconi anemia complementation group O. Also called: RAD51C-Related Fanconi Anemia. Identifiers: Orphanet 84, MedGen C3150653, MONDO:0013248, OMIM 613390.

gnomAD v4.1: 1 of 1,611,030 alleles (0.000062%); highest among the groups gnomAD compares: Non-Finnish European, 0.000085%; no homozygotes.

Submissions (8):

GeneDx
Classification: Uncertain significance. Last evaluated: 2025-03-27. Review status: criteria provided, single submitter. Criteria: GeneDx Variant Classification Process June 2021. Collection method: clinical testing. Allele origin: germline. Affected: yes.
Comment: Observed in an individual with a personal or family history of breast and/or ovarian cancer (PMID: 31159747); RNA studies found this variant is associated with incomplete skipping of exon 4 (PMID: 35740625); Not observed at significant frequency in large population cohorts (gnomAD); This variant is associated with the following publications: (PMID: 31159747, 35740625)

Labcorp Genetics (formerly Invitae), Labcorp
Classification: Uncertain significance for Fanconi anemia complementation group O. Last evaluated: 2025-03-25. Review status: criteria provided, single submitter. Criteria: Invitae Variant Classification Sherloc (09022015). Collection method: clinical testing. Allele origin: germline.
Comment: This sequence change falls in intron 4 of the RAD51C gene. It does not directly change the encoded amino acid sequence of the RAD51C protein. It affects a nucleotide within the consensus splice site. This variant is not present in population databases (gnomAD no frequency). This variant has been observed in individual(s) with clinical features of RAD51C-related conditions (PMID: 31159747). ClinVar contains an entry for this variant (Variation ID: 241775). Variants that disrupt the consensus splice site are a relatively common cause of aberrant splicing (PMID: 17576681, 9536098). Studies have shown that this variant is associated with inconclusive levels of altered splicing (PMID: 35740625; internal data). In summary, the available evidence is currently insufficient to determine the role of this variant in disease. Therefore, it has been classified as a Variant of Uncertain Significance.

Ambry Genetics
Classification: Uncertain significance for Hereditary cancer-predisposing syndrome. Last evaluated: 2024-09-03. Review status: criteria provided, single submitter. Criteria: Ambry Variant Classification Scheme 2023. Collection method: clinical testing. Allele origin: germline.
Comment: The c.705+3A>G intronic variant results from an A to G substitution 3 nucleotides after coding exon 4 in the RAD51C gene. This alteration has been reported in 1/1197 individuals from Greece, Romania, and Turkey undergoing evaluation for inherited cancer predisposition (Tsaousis GN et al. BMC Cancer, 2019 Jun;19:535). This nucleotide position is highly conserved in available vertebrate species. In silico splice site analysis predicts that this alteration may result in the creation or strengthening of a novel splice donor site. RNA studies have demonstrated that this alteration results in an incomplete splice defect; the clinical impact of this abnormal splicing is unknown at this time (Ambry internal data). Based on the available evidence, the clinical significance of this variant remains unclear.

Molecular Pathology, Peter Maccallum Cancer Centre
Classification: Uncertain significance for Familial ovarian cancer. Last evaluated: 2024-08-07. Review status: criteria provided, single submitter. Criteria: ACMG Guidelines, 2015. Collection method: clinical testing. Allele origin: germline. Inheritance: Autosomal dominant inheritance.

Color Diagnostics, LLC DBA Color Health
Classification: Uncertain significance for Hereditary cancer-predisposing syndrome. Last evaluated: 2024-03-11. Review status: criteria provided, single submitter. Criteria: ACMG Guidelines, 2015. Collection method: clinical testing. Allele origin: germline.
Comment: This variant causes an A to G nucleotide substitution at the +3 position of intron 4 of the RAD51C gene. Splice site prediction tools suggest that this variant may impact RNA splicing. A mini-gene splicing assay has shown that 79% of the transcripts produced from the mutant allele were wild type, while 21% of the transcripts skipped exon 4 and resulted in early protein truncation (PMID: 35740625). To our knowledge, this variant has not been reported in individuals affected with hereditary cancer in the literature. This variant has not been identified in the general population by the Genome Aggregation Database (gnomAD). The available evidence is insufficient to determine the role of this variant in disease conclusively. Therefore, this variant is classified as a Variant of Uncertain Significance.

Baylor Genetics
Classification: Uncertain significance for Breast-ovarian cancer, familial, susceptibility to, 3. Last evaluated: 2023-12-05. Review status: criteria provided, single submitter. Criteria: ACMG Guidelines, 2015. Collection method: clinical testing. Allele origin: unknown.

GeneKor MSA
Classification: Uncertain significance for Hereditary cancer-predisposing syndrome. Last evaluated: 2018-08-01. Review status: criteria provided, single submitter. Criteria: ACMG Guidelines, 2015. Collection method: clinical testing. Allele origin: germline.

Mendelics
Classification: Uncertain significance for Hereditary breast and ovarian cancer syndrome. Last evaluated: 2018-07-02. Review status: criteria provided, single submitter. Criteria: Mendelics Assertion Criteria 2017. Collection method: clinical testing. Allele origin: unknown.

Literature cited by the submitters: PubMed 31159747 (cited by Labcorp Genetics (formerly Invitae), Labcorp and Ambry Genetics); PubMed 17576681 (cited by Labcorp Genetics (formerly Invitae), Labcorp); PubMed 9536098 (cited by Labcorp Genetics (formerly Invitae), Labcorp); PubMed 35740625 (cited by Labcorp Genetics (formerly Invitae), Labcorp and Color Diagnostics, LLC DBA Color Health).

NM_058216.3(RAD51C):c.705+3A>G

Genes: RAD51C (RAD51 paralog C; plus strand), LOC129390903 (MPRA-validated peak2919 silencer; plus strand). Cytogenetic location: 17q22.
Variant type: single nucleotide variant.
Coding change: c.705+3A>G on transcript NM_058216.3 (MANE Select); 3 bases into the intron after coding-DNA position 705, A replaced by G.
Molecular consequence: intron variant.
Genome position (GRCh38, 1-based): chr17:58,703,332, A>G. VCF-style: chr17-58703332-A-G. GRCh37 (hg19) VCF-style: chr17-56780693-A-G.
Identifiers: ClinVar variation 241775 (VCV000241775.23), dbSNP rs878855179, ClinGen allele CA10583605.